The following is an entry in ClinVar:

ClinVar aggregate classification (germline): Likely pathogenic (1 of 4 stars; one submission).

Conditions:
autosomal dominant NCKAP1-related neurodevelopmental disorder.

Submission:

Variantyx, Inc.
Classification: Likely pathogenic for autosomal dominant NCKAP1-related neurodevelopmental disorder. Last evaluated: 2025-04-29. Review status: criteria provided, single submitter. Criteria: Variantyx Assertion Criteria 2022. Collection method: clinical testing. Allele origin: germline. Inheritance: Autosomal dominant inheritance. Affected: yes.
Comment: This is a frameshift variant in the NCKAP1 gene (OMIM: 604891). Pathogenic variants in this gene have been associated with autosomal dominant NCKAP1-related neurodevelopmental disorder (ClinGen Curation ID: 005573). This variant introduces a premature termination codon in exon 20 out of 31 and is expected to result in loss of function, which is a known disease mechanism for NCKAP1 in this disorder (PMID: 33157009, 27632392, 28940097) (PVS1). This variant has a 0.0015% maximum allele frequency in non-founder control populations (PM2) and it has not been reported in individuals with NCKAP1-related disorders in the databases available for review. Based on the current evidence, this variant is classified as likely pathogenic for autosomal dominant NCKAP1-related neurodevelopmental disorder.

Literature cited by the submitters: PubMed 33157009; PubMed 27632392; PubMed 28940097.

NM_013436.5(NCKAP1):c.2129delinsTT (p.Ser710fs)

Gene: NCKAP1 (NCK associated protein 1; minus strand). Cytogenetic location: 2q32.1.
Variant type: Indel.
Coding change: c.2129delinsTT on transcript NM_013436.5 (MANE Select); coding-DNA position 2129, C replaced by TT.
Protein change: p.Ser710fs; shifts the reading frame from serine 710.
Molecular consequence: frameshift variant.
Genome position (GRCh38, 1-based): chr2:182,956,486, G replaced by AA on the plus strand (C replaced by TT on the coding strand, the reverse complement: NCKAP1 is on the minus strand). VCF-style: chr2-182956486-G-AA. GRCh37 (hg19) VCF-style: chr2-183821214-G-AA.
Other names: c.2123delinsTT, p.Ser708fs (NM_001437266.1); c.2141delinsTT, p.Ser714fs (NM_001437267.1); c.2147delinsTT, p.Ser716fs (NM_205842.3); short protein forms S708fs, S710fs, S714fs, S716fs.
Identifiers: ClinVar variation 4852189 (VCV004852189.1).